The following is an entry in ClinVar:

ClinVar aggregate classification (germline): Conflicting classifications of pathogenicity. Review status: criteria provided, conflicting classifications (1 of 4 stars). 6 submissions from 6 submitters: Uncertain significance (3); Likely benign (3). Last evaluated 2026-02-01.

Conditions:
TYRP1-related disorder. Also called: TYRP1-related condition.
Oculocutaneous albinism type 3 (OCA3). Also called: ALBINISM III; XANTHISM; Albinism, oculocutaneous, type III; RUFOUS OCULOCUTANEOUS ALBINISM; Rufous OCA; Rufous albinism. Identifiers: Orphanet 79433, MedGen C0342683, MONDO:0008747, OMIM 203290.

Allele frequency attached by ClinVar (database versions not stated): 1000 Genomes Project 30x 0.00078; 1000 Genomes Project 0.00080; TOPMed 0.00150; gnomAD 0.00169 and 0.00171; ExAC 0.00190; gnomAD exomes 0.00191; ESP Exome Variant Server 0.00208.

Submissions (6):

Labcorp Genetics (formerly Invitae), Labcorp
Classification: Likely benign. Last evaluated: 2026-02-01. Review status: criteria provided, single submitter. Criteria: Invitae Variant Classification Sherloc (09022015). Collection method: clinical testing. Allele origin: germline.

PreventionGenetics, part of Exact Sciences
Classification: Uncertain significance for TYRP1-related condition. Last evaluated: 2025-01-27. Review status: criteria provided, single submitter. Criteria: ACMG Guidelines, 2015. Collection method: clinical testing. Allele origin: germline.
Comment: The TYRP1 c.70G>A variant is predicted to result in the amino acid substitution p.Ala24Thr. This variant has been reported individuals with oculocutaneous albinism (Simeonov et al. 2013. PubMed ID: 23504663; Nathan et al. 2019. PubMed ID: 31233279). However, in these reports the variant was reported in the absence of a second TYRP1 variant or on the same allele as a second TYRP1 variant. This variant is reported in 0.32% of alleles in individuals of European (non-Finnish) descent in gnomAD, including multiple homozygous individuals. Although we suspect that this variant may be benign, at this time, the clinical significance of this variant is uncertain due to the absence of conclusive functional and genetic evidence.

Blueprint Genetics
Classification: Likely benign. Last evaluated: 2024-11-19. Review status: criteria provided, single submitter. Criteria: ACMG Guidelines, 2015. Collection method: clinical testing. Allele origin: germline.

Department of Pathology and Laboratory Medicine, Sinai Health System
Classification: Likely benign for Oculocutaneous albinism type 3. Last evaluated: 2022-04-07. Review status: criteria provided, single submitter. Criteria: ACMG Guidelines, 2015. Collection method: research. Allele origin: germline.

Genetic Services Laboratory, University of Chicago
Classification: Uncertain significance. Last evaluated: 2018-05-10. Review status: criteria provided, single submitter. Criteria: ACMG Guidelines, 2015. Collection method: clinical testing. Allele origin: germline. Affected: no.

Illumina Laboratory Services, Illumina
Classification: Uncertain significance for Oculocutaneous albinism type 3. Last evaluated: 2018-01-13. Review status: criteria provided, single submitter. Criteria: ICSL Variant Classification Criteria 13 December 2019. Collection method: clinical testing. Allele origin: germline.

NM_000550.3(TYRP1):c.70G>A (p.Ala24Thr)

Gene: TYRP1 (tyrosinase related protein 1; plus strand). Cytogenetic location: 9p23.
Variant type: single nucleotide variant.
Coding change: c.70G>A on transcript NM_000550.3 (MANE Select); coding-DNA position 70, G replaced by A.
Protein change: p.Ala24Thr; replaces alanine 24 with threonine.
Molecular consequence: missense variant.
Genome position (GRCh38, 1-based): chr9:12,694,066, G>A. VCF-style: chr9-12694066-G-A. GRCh37 (hg19) VCF-style: chr9-12694066-G-A.
Other names: short protein forms A24T.
Identifiers: ClinVar variation 364851 (VCV000364851.22), dbSNP rs61758405, ClinGen allele CA4985101.